The following is an entry in ClinVar:

ClinVar aggregate classification (germline): Benign/Likely benign. Review status: criteria provided, multiple submitters, no conflicts (2 of 4 stars). 3 submissions from 3 submitters: Benign (1); Likely benign (1). 1 of the submissions does not count toward it. Last evaluated 2025-12-17.

Conditions:
Curry-Hall syndrome (WAD). Also called: WEYERS ACRODENTAL DYSOSTOSIS. Identifiers: Orphanet 952, MedGen C0457013, MONDO:0008673, OMIM 193530.
Ellis-van Creveld syndrome (EVC). Also called: Chondroectodermal dysplasia; MESOECTODERMAL DYSPLASIA. Identifiers: Orphanet 289, MedGen C0013903, MONDO:0009162, OMIM 225500.
EVC2-related disorder. Also called: EVC2-related condition.

Allele frequency attached by ClinVar (database versions not stated): TOPMed 0.00005.
gnomAD v4.1: 176 of 1,614,012 alleles (0.011%); highest among the groups gnomAD compares: Non-Finnish European, 0.013%; 1 homozygote.

Submissions (3):

Labcorp Genetics (formerly Invitae), Labcorp
Classification: Benign for Curry-Hall syndrome; Ellis-van Creveld syndrome. Last evaluated: 2025-12-17. Review status: criteria provided, single submitter. Criteria: Invitae Variant Classification Sherloc (09022015). Collection method: clinical testing. Allele origin: germline.

Blueprint Genetics
Classification: Likely benign. Last evaluated: 2024-06-26. Review status: criteria provided, single submitter. Criteria: ACMG Guidelines, 2015. Collection method: clinical testing. Allele origin: germline.

PreventionGenetics, part of Exact Sciences
Classification: Likely benign for EVC2-related condition. Last evaluated: 2021-07-28. Review status: no assertion criteria provided. Collection method: clinical testing. Allele origin: germline. Not counted in ClinVar's aggregate classification.
Comment: This variant is classified as likely benign based on ACMG/AMP sequence variant interpretation guidelines (Richards et al. 2015 PMID: 25741868, with internal and published modifications).

NM_147127.5(EVC2):c.3272+8G>C

Gene: EVC2 (EvC ciliary complex subunit 2; minus strand). Cytogenetic location: 4p16.2.
Variant type: single nucleotide variant.
Coding change: c.3272+8G>C on transcript NM_147127.5 (MANE Select); 8 bases into the intron after coding-DNA position 3272, G replaced by C.
Molecular consequence: intron variant.
Genome position (GRCh38, 1-based): chr4:5,576,232, C>G on the plus strand (G>C on the coding strand, the complement: EVC2 is on the minus strand). VCF-style: chr4-5576232-C-G. GRCh37 (hg19) VCF-style: chr4-5577959-C-G.
Other names: c.3032+8G>C (NM_001166136.2).
Identifiers: ClinVar variation 740130 (VCV000740130.14), dbSNP rs201800139, ClinGen allele CA2834395.
Genomic context (GRCh38, chr4:5,576,232, plus strand): 5'-GGAGATGCCAGGTTCTCCAGGACTGCTGGGGACTAATATCTTTGAGTGCTACGGGGCACA[C>G]GGCATACCACTGCTGATGTTGCTCCAGTAATGTCTGGCTCTTGCTCAGGGCTTGGTGCAG-3'